The following is an entry in ClinVar:

NM_013372.7(GREM1):c.443A>G (p.Lys148Arg)

Gene: GREM1 (gremlin 1, DAN family BMP antagonist; plus strand). Cytogenetic location: 15q13.3.
Variant type: single nucleotide variant.
Coding change: c.443A>G on transcript NM_013372.7 (MANE Select); coding-DNA position 443, A replaced by G.
Protein change: p.Lys148Arg; replaces lysine 148 with arginine.
Molecular consequence: missense variant.
Genome position (GRCh38, 1-based): chr15:32,731,133, A>G. VCF-style: chr15-32731133-A-G. GRCh37 (hg19) VCF-style: chr15-33023334-A-G.
Other names: c.233A>G, p.Lys78Arg (NM_001191322.2); c.320A>G, p.Lys107Arg (NM_001191323.2); c.443A>G, p.Lys148Arg (NM_001368719.1); short protein forms K148R, K107R, K78R.
Identifiers: ClinVar variation 5022514 (VCV005022514.1).

ClinVar aggregate classification (germline): Uncertain significance (1 of 4 stars; one submission).

Conditions:
Hereditary cancer-predisposing syndrome. Also called: Neoplastic Syndromes, Hereditary; Tumor predisposition; Hereditary neoplastic syndrome; Hereditary Cancer Syndrome. Identifiers: Orphanet 140162, MedGen C0027672, MeSH D009386, MONDO:0015356.

Submission:

Ambry Genetics
Classification: Uncertain significance for Hereditary cancer-predisposing syndrome. Last evaluated: 2026-08-19. Review status: criteria provided, single submitter. Criteria: Ambry Variant Classification Scheme 2023. Collection method: clinical testing. Allele origin: germline.
Comment: The p.K148R variant (also known as c.443A>G), located in coding exon 1 of the GREM1 gene, results from an A to G substitution at nucleotide position 443. The lysine at codon 148 is replaced by arginine, an amino acid with highly similar properties. This amino acid position is conserved. In addition, this alteration is predicted to be tolerated by in silico analysis. Based on the available evidence, the clinical significance of this variant remains unclear.